The following is an entry in ClinVar:

NM_000017.4(ACADS):c.94G>A (p.Val32Met)

Gene: ACADS (acyl-CoA dehydrogenase short chain; plus strand). Cytogenetic location: 12q24.31.
Variant type: single nucleotide variant.
Coding change: c.94G>A on transcript NM_000017.4 (MANE Select); coding-DNA position 94, G replaced by A.
Protein change: p.Val32Met; replaces valine 32 with methionine.
Molecular consequence: missense variant.
Genome position (GRCh38, 1-based): chr12:120,727,073, G>A. VCF-style: chr12-120727073-G-A. GRCh37 (hg19) VCF-style: chr12-121164876-G-A.
Other names: c.94G>A, p.Val32Met (NM_001302554.2); short protein forms V32M.
Identifiers: ClinVar variation 2120621 (VCV002120621.4), dbSNP rs2501155445, ClinGen allele CA386612895.
Genomic context (GRCh38, chr12:120,727,073, plus strand): 5'-CCCTTGCCGGCAGCTCTCTGTCCTAGGGCCTGGCGGCAGTTACACACCATCTACCAGTCT[G>A]TGGAACTGCCCGAGACACACCAGATGTTGCTCCAGACATGCCGGGACTTTGCCGAGAAGG-3'
Protein context (NP_000008.1, residues 22-42): WRQLHTIYQS[Val32Met]ELPETHQMLL

ClinVar aggregate classification (germline): Uncertain significance (1 of 4 stars; one submission).

Conditions:
Deficiency of butyryl-CoA dehydrogenase (ACADSD). Also called: ACADS DEFICIENCY; SCAD Deficiency; Short-Chain Acyl-CoA Dehydrogenase Deficiency; SCAD DEFICIENCY, MILD; ACYL-CoA DEHYDROGENASE, SHORT-CHAIN, DEFICIENCY OF; SCADH DEFICIENCY. Identifiers: Orphanet 26792, MedGen C0342783, MONDO:0008722, OMIM 201470. Disease mechanism: May be benign.

Submission:

Labcorp Genetics (formerly Invitae), Labcorp
Classification: Uncertain significance for Deficiency of butyryl-CoA dehydrogenase. Last evaluated: 2023-10-13. Review status: criteria provided, single submitter. Criteria: Invitae Variant Classification Sherloc (09022015). Collection method: clinical testing. Allele origin: germline.
Comment: This sequence change replaces valine, which is neutral and non-polar, with methionine, which is neutral and non-polar, at codon 32 of the ACADS protein (p.Val32Met). This variant is not present in population databases (gnomAD no frequency). This variant has not been reported in the literature in individuals affected with ACADS-related conditions. ClinVar contains an entry for this variant (Variation ID: 2120621). Advanced modeling of protein sequence and biophysical properties (such as structural, functional, and spatial information, amino acid conservation, physicochemical variation, residue mobility, and thermodynamic stability) has been performed at Invitae for this missense variant, however the output from this modeling did not meet the statistical confidence thresholds required to predict the impact of this variant on ACADS protein function. In summary, the available evidence is currently insufficient to determine the role of this variant in disease. Therefore, it has been classified as a Variant of Uncertain Significance.